The following is an entry in ClinVar:

ClinVar aggregate classification (germline): Likely benign (1 of 4 stars; one submission).

Submission:

GeneDx
Classification: Likely benign. Last evaluated: 2017-03-10. Review status: criteria provided, single submitter. Criteria: GeneDx Variant Classification (06012015). Collection method: clinical testing. Allele origin: germline. Affected: yes.
Comment: This variant is considered likely benign or benign based on one or more of the following criteria: it is a conservative change, it occurs at a poorly conserved position in the protein, it is predicted to be benign by multiple in silico algorithms, and/or has population frequency not consistent with disease.

NM_000421.3(KRT10):c.1458_1459delCCins17 (p.?)

Gene: KRT10 (keratin 10; minus strand). Cytogenetic location: 17q21.2.
Variant type: Indel.
Coding change: c.1458_1459delCCins17 on transcript NM_000421.3; coding-DNA positions 1458 to 1459, 2 bases deleted.
Protein change: p.?.
Identifiers: ClinVar variation 508024 (VCV000508024.1).